The following is an entry in ClinVar:

ClinVar aggregate classification (germline): Uncertain significance (1 of 4 stars; one submission).

gnomAD v4.1: 8 of 1,614,094 alleles (0.0005%); highest among the groups gnomAD compares: Non-Finnish European, 0.00068%; no homozygotes.

Submission:

Labcorp Genetics (formerly Invitae), Labcorp
Classification: Uncertain significance. Last evaluated: 2024-12-04. Review status: criteria provided, single submitter. Criteria: Invitae Variant Classification Sherloc (09022015). Collection method: clinical testing. Allele origin: germline.
Comment: This sequence change replaces serine, which is neutral and polar, with glycine, which is neutral and non-polar, at codon 2067 of the BPTF protein (p.Ser2067Gly). This variant is present in population databases (rs761183772, gnomAD 0.004%). This variant has not been reported in the literature in individuals affected with BPTF-related conditions. An algorithm developed to predict the effect of missense changes on protein structure and function (PolyPhen-2) suggests that this variant is likely to be disruptive. In summary, the available evidence is currently insufficient to determine the role of this variant in disease. Therefore, it has been classified as a Variant of Uncertain Significance.

NM_182641.4(BPTF):c.5821A>G (p.Ser1941Gly)

Gene: BPTF (bromodomain PHD finger transcription factor; plus strand). Cytogenetic location: 17q24.2.
Variant type: single nucleotide variant.
Coding change: c.5821A>G on transcript NM_182641.4 (MANE Select); coding-DNA position 5821, A replaced by G.
Protein change: p.Ser1941Gly; replaces serine 1941 with glycine.
Molecular consequence: missense variant.
Genome position (GRCh38, 1-based): chr17:67,928,424, A>G. VCF-style: chr17-67928424-A-G. GRCh37 (hg19) VCF-style: chr17-65924540-A-G.
Other names: c.6199A>G, p.Ser2067Gly (NM_004459.7); short protein forms S2067G, S1941G.
Identifiers: ClinVar variation 3699120 (VCV003699120.2).